The following is an entry in ClinVar:

NM_001035.3(RYR2):c.3916A>G (p.Met1306Val)

Genes: RYR2 (ryanodine receptor 2; plus strand), LOC126806067 (BRD4-independent group 4 enhancer GRCh37_chr1:237753258-237754457; plus strand). Cytogenetic location: 1q43.
Variant type: single nucleotide variant.
Coding change: c.3916A>G on transcript NM_001035.3 (MANE Select); coding-DNA position 3916, A replaced by G.
Protein change: p.Met1306Val; replaces methionine 1306 with valine.
Molecular consequence: missense variant.
Genome position (GRCh38, 1-based): chr1:237,590,748, A>G. VCF-style: chr1-237590748-A-G. GRCh37 (hg19) VCF-style: chr1-237754048-A-G.
Other names: c.3916A>G (NM_001035.2); short protein forms M1306V.
Identifiers: ClinVar variation 1445759 (VCV001445759.11), dbSNP rs767360469, ClinGen allele CA086499.
Genomic context (GRCh38, chr1:237,590,748, plus strand): 5'-ACTCAGAAGTCTTTTGGTTCTCAGAACAGCAACACTGATATCATGTTTTATCGCCTGAGC[A>G]TGCCGATCGAGTGCGCGGAGGTCTTCTCCAAGACGGTGGCTGGAGGGCTCCCTGGGGCTG-3'
Protein context (NP_001026.2, residues 1296-1316): NTDIMFYRLS[Met1306Val]PIECAEVFSK

ClinVar aggregate classification (germline): Uncertain significance. Review status: criteria provided, multiple submitters, no conflicts (2 of 4 stars). 3 submissions from 3 submitters: Uncertain significance (3). Last evaluated 2023-11-20.

Conditions:
Catecholaminergic polymorphic ventricular tachycardia (CVPT). Also called: Catecholamine-induced polymorphic ventricular tachycardia. Identifiers: Orphanet 3286, MedGen C5574922, MONDO:0017990.
Catecholaminergic polymorphic ventricular tachycardia 1. Also called: VENTRICULAR TACHYCARDIA, STRESS-INDUCED POLYMORPHIC 1; VENTRICULAR TACHYCARDIA, CATECHOLAMINERGIC POLYMORPHIC, 1, WITH OR WITHOUT ATRIAL DYSFUNCTION AND/OR DILATED CARDIOMYOPATHY; RYR2-Related Catecholaminergic Polymorphic Ventricular Tachycardia. Identifiers: Orphanet 3286, MedGen C1631597, MONDO:0011484, OMIM 604772.

Allele frequency attached by ClinVar (database versions not stated): gnomAD exomes below 0.00001; ExAC 0.00001.

Submissions (3):

All of Us Research Program, National Institutes of Health
Classification: Uncertain significance for Catecholaminergic polymorphic ventricular tachycardia. Last evaluated: 2023-11-20. Review status: criteria provided, single submitter. Criteria: ACMG Guidelines, 2015. Collection method: clinical testing. Allele origin: germline. Inheritance: Autosomal dominant inheritance. Observed: 2 variant alleles, 2 heterozygotes.
Comment: This missense variant replaces methionine with valine at codon 1306 of the RYR2 protein. Computational prediction suggests that this variant may have deleterious impact on protein structure and function (internally defined REVEL score threshold >= 0.7, PMID: 27666373). To our knowledge, functional studies have not been reported for this variant. This variant has not been reported in individuals affected with RYR2-related disorders in the literature. This variant has been identified in 1/248652 chromosomes in the general population by the Genome Aggregation Database (gnomAD). The available evidence is insufficient to determine the role of this variant in disease conclusively. Therefore, this variant is classified as a Variant of Uncertain Significance.

This study involves interpretation of variants in research participants for the purpose of population health screening. Participant phenotype was not available at the time of variant classification. Additional details can be found in publication PMID: 35346344, PMCID: PMC8962531

Labcorp Genetics (formerly Invitae), Labcorp
Classification: Uncertain significance for Catecholaminergic polymorphic ventricular tachycardia 1. Last evaluated: 2023-11-15. Review status: criteria provided, single submitter. Criteria: Invitae Variant Classification Sherloc (09022015). Collection method: clinical testing. Allele origin: germline.
Comment: This sequence change replaces methionine, which is neutral and non-polar, with valine, which is neutral and non-polar, at codon 1306 of the RYR2 protein (p.Met1306Val). This variant is present in population databases (rs767360469, gnomAD 0.007%). This variant has not been reported in the literature in individuals affected with RYR2-related conditions. ClinVar contains an entry for this variant (Variation ID: 1445759). Advanced modeling of protein sequence and biophysical properties (such as structural, functional, and spatial information, amino acid conservation, physicochemical variation, residue mobility, and thermodynamic stability) has been performed at Invitae for this missense variant, however the output from this modeling did not meet the statistical confidence thresholds required to predict the impact of this variant on RYR2 protein function. In summary, the available evidence is currently insufficient to determine the role of this variant in disease. Therefore, it has been classified as a Variant of Uncertain Significance.

GeneDx
Classification: Uncertain significance. Last evaluated: 2023-02-09. Review status: criteria provided, single submitter. Criteria: GeneDx Variant Classification Process June 2021. Collection method: clinical testing. Allele origin: germline. Affected: yes.
Comment: Has not been previously published as pathogenic or benign to our knowledge; Not observed at significant frequency in large population cohorts (gnomAD); Not located in one of the three hot-spot regions of the RYR2 gene, where the majority of pathogenic missense variants occur (Medeiros-Domingo et al., 2009); In silico analysis supports that this missense variant has a deleterious effect on protein structure/function; This variant is associated with the following publications: (PMID: 19926015)